The following is an entry in ClinVar:

NM_005559.4(LAMA1):c.5516A>T (p.Asp1839Val)

Gene: LAMA1 (laminin subunit alpha 1; minus strand). Cytogenetic location: 18p11.31.
Variant type: single nucleotide variant.
Coding change: c.5516A>T on transcript NM_005559.4 (MANE Select); coding-DNA position 5516, A replaced by T.
Protein change: p.Asp1839Val; replaces aspartic acid 1839 with valine.
Molecular consequence: missense variant.
Genome position (GRCh38, 1-based): chr18:6,985,381, T>A on the plus strand (A>T on the coding strand, the complement: LAMA1 is on the minus strand). VCF-style: chr18-6985381-T-A. GRCh37 (hg19) VCF-style: chr18-6985380-T-A.
Other names: short protein forms D1839V.
Identifiers: ClinVar variation 1499751 (VCV001499751.8), dbSNP rs199685044, ClinGen allele CA8881564.

ClinVar aggregate classification (germline): Conflicting classifications of pathogenicity. Review status: criteria provided, conflicting classifications (1 of 4 stars). 2 submissions from 2 submitters: Uncertain significance (1); Likely benign (1). Last evaluated 2024-11-21.

Allele frequency attached by ClinVar (database versions not stated): gnomAD 0.00007; ESP Exome Variant Server 0.00008; TOPMed 0.00016; gnomAD exomes 0.00020 and 0.00023; ExAC 0.00034.
gnomAD v4.1: 303 of 1,614,088 alleles (0.019%); highest among the groups gnomAD compares: Admixed American, 0.083%; no homozygotes.

Submissions (3):

Blueprint Genetics
Classification: Likely benign. Last evaluated: 2024-11-21. Review status: criteria provided, single submitter. Criteria: ACMG Guidelines, 2015. Collection method: clinical testing. Allele origin: germline.

Labcorp Genetics (formerly Invitae), Labcorp
Classification: Uncertain significance. Last evaluated: 2021-08-23. Review status: criteria provided, single submitter. Criteria: Invitae Variant Classification Sherloc (09022015). Collection method: clinical testing. Allele origin: germline.
Comment: In summary, the available evidence is currently insufficient to determine the role of this variant in disease. Therefore, it has been classified as a Variant of Uncertain Significance. This sequence change replaces aspartic acid with valine at codon 1839 of the LAMA1 protein (p.Asp1839Val). The aspartic acid residue is weakly conserved and there is a large physicochemical difference between aspartic acid and valine. This variant is present in population databases (rs199685044, ExAC 0.2%), including at least one homozygous and/or hemizygous individual. This variant has not been reported in the literature in individuals affected with LAMA1-related conditions. Algorithms developed to predict the effect of missense changes on protein structure and function are either unavailable or do not agree on the potential impact of this missense change (SIFT: "Deleterious"; PolyPhen-2: "Possibly Damaging"; Align-GVGD: "Class C0"). Algorithms developed to predict the effect of sequence changes on RNA splicing suggest that this variant may create or strengthen a splice site.

Dr. Peter K. Rogan Lab, Western University
No classification provided (evidence only). Condition: Melanoma. Review status: no classification provided. Collection method: in vitro. Allele origin: not applicable. Functional consequence: retained intron. Not counted in ClinVar's aggregate classification.